The following is an entry in ClinVar:

NM_000444.6(PHEX):c.356T>G (p.Leu119Trp)

Gene: PHEX (phosphate regulating endopeptidase X-linked; plus strand). Cytogenetic location: Xp22.11.
Variant type: single nucleotide variant.
Coding change: c.356T>G on transcript NM_000444.6 (MANE Select); coding-DNA position 356, T replaced by G.
Protein change: p.Leu119Trp; replaces leucine 119 with tryptophan.
Molecular consequence: missense variant.
Genome position (GRCh38, 1-based): chrX:22,076,394, T>G. VCF-style: chrX-22076394-T-G. GRCh37 (hg19) VCF-style: chrX-22094512-T-G.
Other names: c.356T>G, p.Leu119Trp (NM_001282754.2); short protein forms L119W.
Identifiers: ClinVar variation 1436791 (VCV001436791.8), dbSNP rs2147019113, ClinGen allele CA412571033.

ClinVar aggregate classification (germline): Pathogenic (1 of 4 stars; one submission).

Submission:

Labcorp Genetics (formerly Invitae), Labcorp
Classification: Pathogenic. Last evaluated: 2025-02-07. Review status: criteria provided, single submitter. Criteria: Invitae Variant Classification Sherloc (09022015). Collection method: clinical testing. Allele origin: germline.
Comment: This sequence change replaces leucine, which is neutral and non-polar, with tryptophan, which is neutral and slightly polar, at codon 119 of the PHEX protein (p.Leu119Trp). This variant is not present in population databases (gnomAD no frequency). This missense change has been observed in individual(s) with hypophosphatemic rickets (internal data). In at least one individual the variant was observed to be de novo. ClinVar contains an entry for this variant (Variation ID: 1436791). Invitae Evidence Modeling of protein sequence and biophysical properties (such as structural, functional, and spatial information, amino acid conservation, physicochemical variation, residue mobility, and thermodynamic stability) indicates that this missense variant is expected to disrupt PHEX protein function with a positive predictive value of 95%. For these reasons, this variant has been classified as Pathogenic.